The following is an entry in ClinVar:

ClinVar aggregate classification (germline): Uncertain significance (1 of 4 stars; one submission).

Conditions:
Early Myoclonic Encephalopathy. Identifiers: MedGen C0270855.

Submission:

Labcorp Genetics (formerly Invitae), Labcorp
Classification: Uncertain significance for Early Myoclonic Encephalopathy. Last evaluated: 2025-12-13. Review status: criteria provided, single submitter. Criteria: Invitae Variant Classification Sherloc (09022015). Collection method: clinical testing. Allele origin: germline.
Comment: This sequence change replaces aspartic acid, which is acidic and polar, with glycine, which is neutral and non-polar, at codon 64 of the KCND2 protein (p.Asp64Gly). This variant is not present in population databases (gnomAD no frequency). This variant has not been reported in the literature in individuals affected with KCND2-related conditions. Invitae Evidence Modeling of protein sequence and biophysical properties (such as structural, functional, and spatial information, amino acid conservation, physicochemical variation, residue mobility, and thermodynamic stability) has been performed for this missense variant. However, the output from this modeling did not meet the statistical confidence thresholds required to predict the impact of this variant on KCND2 protein function. In summary, the available evidence is currently insufficient to determine the role of this variant in disease. Therefore, it has been classified as a Variant of Uncertain Significance.

NM_012281.3(KCND2):c.191A>G (p.Asp64Gly)

Gene: KCND2 (potassium voltage-gated channel subfamily D member 2; plus strand). Cytogenetic location: 7q31.31.
Variant type: single nucleotide variant.
Coding change: c.191A>G on transcript NM_012281.3 (MANE Select); coding-DNA position 191, A replaced by G.
Protein change: p.Asp64Gly; replaces aspartic acid 64 with glycine.
Molecular consequence: missense variant.
Genome position (GRCh38, 1-based): chr7:120,274,823, A>G. VCF-style: chr7-120274823-A-G. GRCh37 (hg19) VCF-style: chr7-119914877-A-G.
Other names: short protein forms D64G.
Identifiers: ClinVar variation 4710071 (VCV004710071.1).